The following is an entry in ClinVar:

NM_001080449.3(DNA2):c.511A>C (p.Asn171His)

Gene: DNA2 (DNA replication helicase/nuclease 2; minus strand). Cytogenetic location: 10q21.3.
Variant type: single nucleotide variant.
Coding change: c.511A>C on transcript NM_001080449.3 (MANE Select); coding-DNA position 511, A replaced by C.
Protein change: p.Asn171His; replaces asparagine 171 with histidine.
Molecular consequence: missense variant. On other transcripts: non-coding transcript variant (1).
Genome position (GRCh38, 1-based): chr10:68,465,743, T>G on the plus strand (A>C on the coding strand, the complement: DNA2 is on the minus strand). VCF-style: chr10-68465743-T-G. GRCh37 (hg19) VCF-style: chr10-70225500-T-G.
Other names: short protein forms N171H.
Identifiers: ClinVar variation 4738589 (VCV004738589.1).

ClinVar aggregate classification (germline): Uncertain significance (1 of 4 stars; one submission).

Submission:

Labcorp Genetics (formerly Invitae), Labcorp
Classification: Uncertain significance. Last evaluated: 2025-09-28. Review status: criteria provided, single submitter. Criteria: Invitae Variant Classification Sherloc (09022015). Collection method: clinical testing. Allele origin: germline.
Comment: This sequence change replaces asparagine, which is neutral and polar, with histidine, which is basic and polar, at codon 171 of the DNA2 protein (p.Asn171His). This variant is not present in population databases (gnomAD no frequency). This variant has not been reported in the literature in individuals affected with DNA2-related conditions. Invitae Evidence Modeling of protein sequence and biophysical properties (such as structural, functional, and spatial information, amino acid conservation, physicochemical variation, residue mobility, and thermodynamic stability) indicates that this missense variant is not expected to disrupt DNA2 protein function with a negative predictive value of 80%. In summary, the available evidence is currently insufficient to determine the role of this variant in disease. Therefore, it has been classified as a Variant of Uncertain Significance.